The following is an entry in ClinVar:

ClinVar aggregate classification (germline): Uncertain significance (1 of 4 stars; one submission).

gnomAD v4.1: 9 of 1,610,984 alleles (0.00056%); highest among the groups gnomAD compares: East Asian, 0.018%; no homozygotes.

Submission:

Labcorp Genetics (formerly Invitae), Labcorp
Classification: Uncertain significance. Last evaluated: 2024-04-10. Review status: criteria provided, single submitter. Criteria: Invitae Variant Classification Sherloc (09022015). Collection method: clinical testing. Allele origin: germline.
Comment: This sequence change falls in intron 2 of the OAS1 gene. It does not directly change the encoded amino acid sequence of the OAS1 protein. This variant is present in population databases (no rsID available, gnomAD 0.01%). This variant has not been reported in the literature in individuals affected with OAS1-related conditions. Algorithms developed to predict the effect of sequence changes on RNA splicing suggest that this variant may disrupt the consensus splice site. In summary, the available evidence is currently insufficient to determine the role of this variant in disease. Therefore, it has been classified as a Variant of Uncertain Significance.

NM_016816.4(OAS1):c.470-7C>G

Gene: OAS1 (2'-5'-oligoadenylate synthetase 1; plus strand). Cytogenetic location: 12q24.13.
Variant type: single nucleotide variant.
Coding change: c.470-7C>G on transcript NM_016816.4 (MANE Select); 7 bases into the intron before coding-DNA position 470, C replaced by G.
Molecular consequence: intron variant.
Genome position (GRCh38, 1-based): chr12:112,911,044, C>G. VCF-style: chr12-112911044-C-G. GRCh37 (hg19) VCF-style: chr12-113348849-C-G.
Other names: c.180+3825C>G (NM_001406030.1, NM_001406029.1, NM_001406027.1 and 1 more transcripts); c.470-7C>G (NM_001032409.3, NM_002534.4, NM_001320151.2 and 1 more transcripts); c.470-54C>G (NM_001406024.1, NM_001406023.1, NM_001406021.1 and 2 more transcripts).
Identifiers: ClinVar variation 3681465 (VCV003681465.2).